The following is an entry in ClinVar:

ClinVar aggregate classification (germline): Likely pathogenic. Review status: criteria provided, multiple submitters, no conflicts (2 of 4 stars). 3 submissions from 3 submitters: Likely pathogenic (3). Last evaluated 2026-05-05.

Conditions:
X-linked Alport syndrome (ATS1). Also called: NEPHROPATHY AND DEAFNESS, X-LINKED; COL4A5-Related Nephropathy. Identifiers: Orphanet 63, Orphanet 88917, MedGen C4746986, MONDO:0010520, OMIM 301050.
COL4A5-related disorder. Also called: COL4A5-related condition.

Submissions (3):

PreventionGenetics, part of Exact Sciences
Classification: Likely pathogenic for COL4A5-related condition. Last evaluated: 2026-05-05. Review status: criteria provided, single submitter. Criteria: ACMG Guidelines, 2015. Collection method: clinical testing. Allele origin: germline.
Comment: The COL4A5 c.359G>A variant is predicted to result in the amino acid substitution p.Gly120Asp. The p.Gly120 residue resides in the triple-helical region (residues 42 – 1456) of the COL4A5 protein, where substitutions of the glycine (Gly) residue are usually pathogenic (Hudson et al. 1993. PubMed ID: 8253711). The c.359G>A (p.Gly120Asp) variant has not been reported in a large population database (gnomAD), indicating this variant is rare. This variant is interpreted as likely pathogenic.

Victorian Clinical Genetics Services, Murdoch Childrens Research Institute
Classification: Likely pathogenic for X-linked Alport syndrome. Last evaluated: 2024-09-23. Review status: criteria provided, single submitter. Criteria: ACMG Guidelines, 2015. Collection method: clinical testing. Allele origin: germline. Inheritance: X-linked dominant inheritance. Affected: yes.
Comment: Based on the classification scheme VCGS_Germline_v1.3.4, this variant is classified as Likely pathogenic. Following criteria are met: 0103 - Dominant negative and loss of function are known mechanisms of disease in this gene and are associated with X-linked Alport syndrome 1 (MIM#301050). Dominant negative is caused mostly by glycine substitutions that affect the conformation of the protein, and loss of function can be caused by either protein truncating or missense variants (PMID: 24046192, 12028435). (I) 0110 - This gene is associated with X-linked dominant disease. Males are typically more severely affected than females (PMID: 19965530). (I) 0115 - Variants in this gene are known to have variable expressivity. There is intrafamilial variability among affected carrier females, possibly due to variable X-inactivation (PMID: 14514738). (I) 0200 - Variant is predicted to result in a missense amino acid change from glycine to aspartic acid. (I) 0251 - This variant is heterozygous. (I) 0301 - Variant is absent from gnomAD (both v2 and v3). (SP) 0501 - Missense variant consistently predicted to be damaging by multiple in silico tools or highly conserved with a major amino acid change. (SP) 0601 - Variant is located in the well-established functional Gly-X-Y motif within the collagen repeat domain, and affects a glycine residue (DECIPHER). (SP) 0703 - Another missense variant comparable to the one identified in this case has moderate previous evidence for pathogenicity. p.(Gly120Ser) has been identified in three individuals with Alport syndrome (PMID: 35155874, VCGS cohort). (SP) 0807 - This variant has no previous evidence of pathogenicity. (I) 0905 - No published segregation evidence has been identified for this variant. (I) 1007 - No published functional evidence has been identified for this variant. (I) 1208 - Inheritance information for this variant is not currently available in this individual. (I) Legend: (SP) - Supporting pathogenic, (I) - Information, (SB) - Supporting benign

Molecular Genetics, Royal Melbourne Hospital
Classification: Likely pathogenic for X-linked Alport syndrome. Last evaluated: 2024-01-05. Review status: criteria provided, single submitter. Criteria: ACMG Guidelines, 2015. Collection method: clinical testing. Allele origin: germline. Inheritance: X-linked dominant inheritance. Affected: yes.
Comment: This sequence change in COL4A5 is predicted to replace glycine with aspartic acid at codon 120, p.(Gly120Asp). The glycine residue is highly conserved (100 vertebrates, Multiz Alignments), and alters a critical glycine residue in a collagen triple helix repeat (Gly-X-Y) in the collagenous domain that is a known critical functional domain (PMID: 8218237). There is a moderate physicochemical difference between glycine and aspartic acid. This variant is absent from the population database gnomAD v4.0. To our knowledge, this variant has not been previously reported in the relevant scientific literature. Computational evidence predicts a deleterious effect for the missense substitution (REVEL = 0.978). Another missense variant, c.358G>A, p.Gly120Ser, in the same codon with a smaller physicochemical change, has been classified as pathogenic for Alport Syndrome (Shariant). Based on the classification scheme RMH Modified ACMG/AMP Guidelines v1.6.1, this variant is classified as LIKELY PATHOGENIC. Following criteria are met: PM1, PM2_Supporting, PM5, PP3_Moderate, PS4_Supporting

Literature cited by the submitters: PubMed 12028435 (cited by Victorian Clinical Genetics Services, Murdoch Childrens Research Institute); PubMed 14514738 (cited by Victorian Clinical Genetics Services, Murdoch Childrens Research Institute); PubMed 19965530 (cited by Victorian Clinical Genetics Services, Murdoch Childrens Research Institute); PubMed 24046192 (cited by Victorian Clinical Genetics Services, Murdoch Childrens Research Institute); PubMed 35155874 (cited by Victorian Clinical Genetics Services, Murdoch Childrens Research Institute); PubMed 8218237 (cited by Molecular Genetics, Royal Melbourne Hospital).

NM_033380.3(COL4A5):c.359G>A (p.Gly120Asp)

Gene: COL4A5 (collagen type IV alpha 5 chain; plus strand). Cytogenetic location: Xq22.3.
Variant type: single nucleotide variant.
Coding change: c.359G>A on transcript NM_033380.3 (MANE Select); coding-DNA position 359, G replaced by A.
Protein change: p.Gly120Asp; replaces glycine 120 with aspartic acid.
Molecular consequence: missense variant.
Genome position (GRCh38, 1-based): chrX:108,568,796, G>A. VCF-style: chrX-108568796-G-A. GRCh37 (hg19) VCF-style: chrX-107812026-G-A.
Other names: c.359G>A (NM_033380.2, NM_000495.4); c.359G>A, p.Gly120Asp (NM_000495.5); short protein forms G120D.
Identifiers: ClinVar variation 3068625 (VCV003068625.4), dbSNP rs2524196982, ClinGen allele CA413918370.